The following is an entry in ClinVar:

ClinVar aggregate classification (germline): Uncertain significance. Review status: criteria provided, multiple submitters, no conflicts (2 of 4 stars). 3 submissions from 3 submitters: Uncertain significance (3). Last evaluated 2025-12-10.

Conditions:
Inborn genetic diseases. Identifiers: MedGen C0950123, MeSH D030342.
Hereditary spastic paraplegia 15 (SPG15). Also called: SPASTIC PARAPLEGIA 15, AUTOSOMAL RECESSIVE; KJELLIN SYNDROME; SPASTIC PARAPLEGIA AND RETINAL DEGENERATION. Identifiers: Orphanet 100996, MedGen C1849128, MONDO:0010044, OMIM 270700.

Allele frequency attached by ClinVar (database versions not stated): TOPMed 0.00003; 1000 Genomes Project 30x 0.00031.
gnomAD v4.1: 33 of 1,614,178 alleles (0.002%); highest among the groups gnomAD compares: Middle Eastern, 0.033%; no homozygotes.

Submissions (3):

Ambry Genetics
Classification: Uncertain significance for Inborn genetic diseases. Last evaluated: 2025-12-10. Review status: criteria provided, single submitter. Criteria: Ambry Variant Classification Scheme 2023. Collection method: clinical testing. Allele origin: germline.

GeneDx
Classification: Uncertain significance. Last evaluated: 2025-09-06. Review status: criteria provided, single submitter. Criteria: GeneDx Variant Classification Process June 2021. Collection method: clinical testing. Allele origin: germline. Affected: yes.
Comment: Not observed at significant frequency in large population cohorts (gnomAD); In silico analysis suggests that this missense variant does not alter protein structure/function; Has not been previously published as pathogenic or benign to our knowledge

Illumina Laboratory Services, Illumina
Classification: Uncertain significance for Hereditary spastic paraplegia 15. Last evaluated: 2018-01-13. Review status: criteria provided, single submitter. Criteria: ICSL Variant Classification Criteria 13 December 2019. Collection method: clinical testing. Allele origin: germline.

NM_015346.4(ZFYVE26):c.5216G>A (p.Arg1739Gln)

Gene: ZFYVE26 (zinc finger FYVE-type containing 26; minus strand). Cytogenetic location: 14q24.1.
Variant type: single nucleotide variant.
Coding change: c.5216G>A on transcript NM_015346.4 (MANE Select); coding-DNA position 5216, G replaced by A.
Protein change: p.Arg1739Gln; replaces arginine 1739 with glutamine.
Molecular consequence: missense variant.
Genome position (GRCh38, 1-based): chr14:67,775,865, C>T on the plus strand (G>A on the coding strand, the complement: ZFYVE26 is on the minus strand). VCF-style: chr14-67775865-C-T. GRCh37 (hg19) VCF-style: chr14-68242582-C-T.
Other names: short protein forms R1739Q.
Identifiers: ClinVar variation 313889 (VCV000313889.8), dbSNP rs201566214, ClinGen allele CA7239578.